The following is an entry in ClinVar:

NM_177438.3(DICER1):c.1026G>C (p.Arg342Ser)

Gene: DICER1 (dicer 1, ribonuclease III; minus strand). Cytogenetic location: 14q32.13.
Variant type: single nucleotide variant.
Coding change: c.1026G>C on transcript NM_177438.3 (MANE Select); coding-DNA position 1026, G replaced by C.
Protein change: p.Arg342Ser; replaces arginine 342 with serine.
Molecular consequence: missense variant. On other transcripts: 5 prime UTR variant (1), non-coding transcript variant (6).
Genome position (GRCh38, 1-based): chr14:95,124,546, C>G on the plus strand (G>C on the coding strand, the complement: DICER1 is on the minus strand). VCF-style: chr14-95124546-C-G. GRCh37 (hg19) VCF-style: chr14-95590883-C-G.
Other names: c.1026G>C, p.Arg342Ser (NM_001195573.1, NM_001271282.3, NM_001291628.2 and 15 more transcripts); c.744G>C, p.Arg248Ser (NM_001395686.1); c.621G>C, p.Arg207Ser (NM_001395687.1, NM_001395688.1, NM_001395689.1 and 3 more transcripts); c.459G>C, p.Arg153Ser (NM_001395691.1); c.-543G>C (NM_001395697.1); short protein forms R153S, R342S, R207S, R248S.
Identifiers: ClinVar variation 1769693 (VCV001769693.2), dbSNP rs2140206572, ClinGen allele CA390887131.

ClinVar aggregate classification (germline): Uncertain significance (1 of 4 stars; one submission).

Conditions:
Hereditary cancer-predisposing syndrome. Also called: Hereditary Cancer Syndrome; Hereditary neoplastic syndrome; Neoplastic Syndromes, Hereditary; Tumor predisposition. Identifiers: Orphanet 140162, MedGen C0027672, MeSH D009386, MONDO:0015356.

Submission:

Ambry Genetics
Classification: Uncertain significance for Hereditary cancer-predisposing syndrome. Last evaluated: 2021-09-03. Review status: criteria provided, single submitter. Criteria: Ambry Variant Classification Scheme 2023. Collection method: clinical testing. Allele origin: germline.
Comment: The p.R342S variant (also known as c.1026G>C), located in coding exon 7 of the DICER1 gene, results from a G to C substitution at nucleotide position 1026. The arginine at codon 342 is replaced by serine, an amino acid with dissimilar properties. This amino acid position is highly conserved in available vertebrate species. In addition, the in silico prediction for this alteration is inconclusive. Since supporting evidence is limited at this time, the clinical significance of this alteration remains unclear.